The following is an entry in ClinVar:

NC_012920.1(MT-ND1):m.3511A>G

Gene: MT-ND1 (mitochondrially encoded NADH dehydrogenase 1; plus strand).
Variant type: single nucleotide variant.
Genome position: chrM-3511-A-G.
Identifiers: ClinVar variation 692364 (VCV000692364.1), dbSNP rs386828909, ClinGen allele CA414772935.

ClinVar aggregate classification (germline): Benign (1 of 4 stars; one submission).

Conditions:
Leigh syndrome (NULS). Also called: Leigh's necrotizing encephalopathy; Leigh's disease; Leigh Syndrome (mtDNA deletion); Leigh Disease; Subacute necrotizing encephalopathy; Necrotizing encephalopathy infantile subacute of Leigh. Identifiers: Orphanet 506, MedGen C2931891, MONDO:0009723, OMIM 256000.

Submission:

Wong Mito Lab, Molecular and Human Genetics, Baylor College of Medicine
Classification: Benign for Leigh syndrome. Last evaluated: 2019-10-17. Review status: criteria provided, single submitter. Criteria: Modified ACMG Guidelines (Unpublished). Collection method: clinical testing. Allele origin: germline.
Comment: The NC_012920.1:m.3511A>G (YP_003024026.1:p.Thr69Ala) variant in MTND1 gene is interpretated to be a Benign variant based on the modified ACMG guidelines (unpublished). This variant meets the following evidence codes: BS1, BS2